The following is an entry in ClinVar:

NM_000545.8(HNF1A):c.401_406dup (p.Asp135_Thr136insIleAsp)

Gene: HNF1A (HNF1 homeobox A; plus strand). Cytogenetic location: 12q24.31.
Variant type: Duplication.
Coding change: c.401_406dup on transcript NM_000545.8 (MANE Select); coding-DNA positions 401 to 406, 6 bases duplicated (TCGATA; older notation c.401_406dupTCGATA).
Protein change: p.Asp135_Thr136insIleAsp.
Molecular consequence: inframe insertion.
Genome position (GRCh38, 1-based): chr12:120,988,907-120,988,912, TCGATA duplicated. VCF-style (leftmost placement, unchanged base first): chr12-120988906-G-GTCGATA. GRCh37 (hg19) VCF-style: chr12-121426709-G-GTCGATA.
Other names: c.401_406dup, p.Asp135_Thr136insIleAsp (NM_001306179.2).
Identifiers: ClinVar variation 1256573 (VCV001256573.9), dbSNP rs2135832623, ClinGen allele CA2499221467.
Genomic context (GRCh38, chr12:120,988,906, plus strand): 5'-CGTGTGGCGAAGATGGTCAAGTCCTACCTGCAGCAGCACAACATCCCACAGCGGGAGGTG[G>GTCGATA]TCGATACCACTGGCCTCAACCAGTCCCACCTGTCCCAACACCTCAACAAGGGCACTCCCA-3'

ClinVar aggregate classification (germline): Uncertain significance. Review status: criteria provided, multiple submitters, no conflicts (2 of 4 stars). 2 submissions from 2 submitters: Uncertain significance (2). Last evaluated 2022-10-17.

Submissions (2):

Labcorp Genetics (formerly Invitae), Labcorp
Classification: Uncertain significance. Last evaluated: 2022-10-17. Review status: criteria provided, single submitter. Criteria: Invitae Variant Classification Sherloc (09022015). Collection method: clinical testing. Allele origin: germline.
Comment: In summary, the available evidence is currently insufficient to determine the role of this variant in disease. Therefore, it has been classified as a Variant of Uncertain Significance. Experimental studies and prediction algorithms are not available or were not evaluated, and the functional significance of this variant is currently unknown. ClinVar contains an entry for this variant (Variation ID: 1256573). This variant has been observed in individual(s) with diabetes (Invitae). This variant is not present in population databases (gnomAD no frequency). This variant, c.401_406dup, results in the insertion of 2 amino acid(s) of the HNF1A protein (p.Asp135_Thr136insIleAsp), but otherwise preserves the integrity of the reading frame.

Athena Diagnostics
Classification: Uncertain significance. Last evaluated: 2021-03-11. Review status: criteria provided, single submitter. Criteria: Athena Diagnostics criteria. Collection method: clinical testing. Allele origin: unknown.